The following is an entry in ClinVar:

NM_003998.4(NFKB1):c.205G>C (p.Gly69Arg)

Gene: NFKB1 (nuclear factor kappa B subunit 1; plus strand). Cytogenetic location: 4q24.
Variant type: single nucleotide variant.
Coding change: c.205G>C on transcript NM_003998.4 (MANE Select); coding-DNA position 205, G replaced by C.
Protein change: p.Gly69Arg; replaces glycine 69 with arginine.
Molecular consequence: missense variant.
Genome position (GRCh38, 1-based): chr4:102,537,903, G>C. VCF-style: chr4-102537903-G-C. GRCh37 (hg19) VCF-style: chr4-103459060-G-C.
Other names: c.205G>C, p.Gly69Arg (NM_001382625.1, NM_001382626.1); c.202G>C, p.Gly68Arg (NM_001382627.1, NM_001165412.2, NM_001319226.2); c.163G>C, p.Gly55Arg (NM_001382628.1); short protein forms G68R, G55R, G69R.
Identifiers: ClinVar variation 2824110 (VCV002824110.3), dbSNP rs2476200436, ClinGen allele CA357957701.

ClinVar aggregate classification (germline): Uncertain significance (1 of 4 stars; one submission).

Submission:

Labcorp Genetics (formerly Invitae), Labcorp
Classification: Uncertain significance. Last evaluated: 2022-12-25. Review status: criteria provided, single submitter. Criteria: Invitae Variant Classification Sherloc (09022015). Collection method: clinical testing. Allele origin: germline.
Comment: In summary, the available evidence is currently insufficient to determine the role of this variant in disease. Therefore, it has been classified as a Variant of Uncertain Significance. Advanced modeling of protein sequence and biophysical properties (such as structural, functional, and spatial information, amino acid conservation, physicochemical variation, residue mobility, and thermodynamic stability) performed at Invitae indicates that this missense variant is expected to disrupt NFKB1 protein function. This variant has not been reported in the literature in individuals affected with NFKB1-related conditions. This variant is not present in population databases (gnomAD no frequency). This sequence change replaces glycine, which is neutral and non-polar, with arginine, which is basic and polar, at codon 69 of the NFKB1 protein (p.Gly69Arg).